The following is an entry in ClinVar:

ClinVar aggregate classification (germline): Uncertain significance. Review status: criteria provided, multiple submitters, no conflicts (2 of 4 stars). 4 submissions from 4 submitters: Uncertain significance (4). Last evaluated 2026-09-10.

Conditions:
Inborn genetic diseases. Identifiers: MedGen C0950123, MeSH D030342.
Cortical dysplasia-focal epilepsy syndrome (PTHSL1). Also called: Pitt-Hopkins-like syndrome 1. Identifiers: Orphanet 163681, Orphanet 221150, MedGen C2750246, MONDO:0012400, OMIM 610042.

Allele frequency attached by ClinVar (database versions not stated): TOPMed 0.00002.
gnomAD v4.1: 40 of 1,614,066 alleles (0.0025%); highest among the groups gnomAD compares: Middle Eastern, 0.033%; no homozygotes.

Submissions (4):

GeneDx
Classification: Uncertain significance. Last evaluated: 2026-09-10. Review status: criteria provided, single submitter. Criteria: GeneDx Variant Classification Process June 2021. Collection method: clinical testing. Allele origin: germline.
Comment: Identified in an individual from an epilepsy cohort, however, a second CNTNAP2 variant was not identified (PMID: 29619247); In silico analysis supports that this missense variant has a deleterious effect on protein structure/function; This variant is associated with the following publications: (PMID: 29619247)

Women's Health and Genetics/Laboratory Corporation of America, LabCorp
Classification: Uncertain significance. Last evaluated: 2026-06-01. Review status: criteria provided, single submitter. Criteria: LabCorp Variant Classification Summary - May 2015. Collection method: clinical testing. Allele origin: germline.
Comment: Variant summary: CNTNAP2 c.2047G>A (p.Glu683Lys) results in a conservative amino acid change in the encoded protein sequence. Algorithms developed to predict the effect of missense changes on protein structure and function are either unavailable or do not agree on the potential impact of this missense change. The variant allele was found at a frequency of 7.2e-05 in 250990 control chromosomes. This frequency is not significantly higher than estimated for disease-causing variants in CNTNAP2, allowing no conclusion about variant significance. c.2047G>A has been observed in individual(s) affected with CNTNAP2-related conditions without evidence of causality (e.g. Friedman_2018, Grillo_2013). These report(s) do not provide unequivocal conclusions about association of the variant with disease. To our knowledge, no experimental evidence demonstrating an impact on protein function has been reported. The following publications have been ascertained in the context of this evaluation (PMID: 29619247, 23468869). ClinVar contains an entry for this variant (Variation ID: 205255). Based on the evidence outlined above, the variant was classified as uncertain significance.

Ambry Genetics
Classification: Uncertain significance for Inborn genetic diseases. Last evaluated: 2025-08-25. Review status: criteria provided, single submitter. Criteria: Ambry Variant Classification Scheme 2023. Collection method: clinical testing. Allele origin: germline.
Comment: The c.2047G>A (p.E683K) alteration is located in exon 13 (coding exon 13) of the CNTNAP2 gene. This alteration results from a G to A substitution at nucleotide position 2047, causing the glutamic acid (E) at amino acid position 683 to be replaced by a lysine (K). Based on data from gnomAD, the A allele has an overall frequency of 0.007% (19/282384) total alleles studied. The highest observed frequency was 0.028% (10/35410) of Latino alleles. This amino acid position is highly conserved in available vertebrate species. This alteration is predicted to be tolerated by in silico analysis. Based on insufficient or conflicting evidence, the clinical significance of this alteration remains unclear.

Labcorp Genetics (formerly Invitae), Labcorp
Classification: Uncertain significance for Cortical dysplasia-focal epilepsy syndrome. Last evaluated: 2022-07-25. Review status: criteria provided, single submitter. Criteria: Invitae Variant Classification Sherloc (09022015). Collection method: clinical testing. Allele origin: germline.
Comment: This sequence change replaces glutamic acid, which is acidic and polar, with lysine, which is basic and polar, at codon 683 of the CNTNAP2 protein (p.Glu683Lys). This variant is present in population databases (rs372580822, gnomAD 0.03%). This variant has not been reported in the literature in individuals affected with CNTNAP2-related conditions. ClinVar contains an entry for this variant (Variation ID: 205255). Algorithms developed to predict the effect of missense changes on protein structure and function are either unavailable or do not agree on the potential impact of this missense change (SIFT: "Deleterious"; PolyPhen-2: "Benign"; Align-GVGD: "Class C0"). In summary, the available evidence is currently insufficient to determine the role of this variant in disease. Therefore, it has been classified as a Variant of Uncertain Significance.

Literature cited by the submitters: PubMed 23468869 (cited by Women's Health and Genetics/Laboratory Corporation of America, LabCorp); PubMed 29619247 (cited by Women's Health and Genetics/Laboratory Corporation of America, LabCorp).

NM_014141.6(CNTNAP2):c.2047G>A (p.Glu683Lys)

Gene: CNTNAP2 (contactin associated protein 2; plus strand). Cytogenetic location: 7q35.
Variant type: single nucleotide variant.
Coding change: c.2047G>A on transcript NM_014141.6 (MANE Select); coding-DNA position 2047, G replaced by A.
Protein change: p.Glu683Lys; replaces glutamic acid 683 with lysine.
Molecular consequence: missense variant.
Genome position (GRCh38, 1-based): chr7:147,639,255, G>A. VCF-style: chr7-147639255-G-A. GRCh37 (hg19) VCF-style: chr7-147336347-G-A.
Other names: p.E683K:GAG>AAG; short protein forms E683K.
Identifiers: ClinVar variation 205255 (VCV000205255.18), dbSNP rs372580822, ClinGen allele CA314144.